The following is an entry in ClinVar:

ClinVar aggregate classification (germline): Uncertain significance (1 of 4 stars; one submission).

Conditions:
Idiopathic Pulmonary Fibrosis. Also called: Idiopathic fibrosing alveolitis, chronic form; idiopathic fibrosing alveolitis. Identifiers: Orphanet 2032, MedGen C1800706, MeSH D054990, MONDO:0800504.
Dyskeratosis congenita, autosomal dominant 2. Identifiers: MedGen C3151443, MONDO:0013521, OMIM 613989.

Submission:

Labcorp Genetics (formerly Invitae), Labcorp
Classification: Uncertain significance for Dyskeratosis congenita, autosomal dominant 2; Idiopathic Pulmonary Fibrosis. Last evaluated: 2022-06-19. Review status: criteria provided, single submitter. Criteria: Invitae Variant Classification Sherloc (09022015). Collection method: clinical testing. Allele origin: germline.
Comment: In summary, the available evidence is currently insufficient to determine the role of this variant in disease. Therefore, it has been classified as a Variant of Uncertain Significance. Advanced modeling of protein sequence and biophysical properties (such as structural, functional, and spatial information, amino acid conservation, physicochemical variation, residue mobility, and thermodynamic stability) performed at Invitae indicates that this missense variant is not expected to disrupt TERT protein function. This variant has not been reported in the literature in individuals affected with TERT-related conditions. This variant is not present in population databases (gnomAD no frequency). This sequence change replaces histidine, which is basic and polar, with glutamine, which is neutral and polar, at codon 258 of the TERT protein (p.His258Gln).

NM_198253.3(TERT):c.774C>G (p.His258Gln)

Gene: TERT (telomerase reverse transcriptase; minus strand). Cytogenetic location: 5p15.33.
Variant type: single nucleotide variant.
Coding change: c.774C>G on transcript NM_198253.3 (MANE Select); coding-DNA position 774, C replaced by G.
Protein change: p.His258Gln; replaces histidine 258 with glutamine.
Molecular consequence: missense variant. On other transcripts: non-coding transcript variant (2).
Genome position (GRCh38, 1-based): chr5:1,294,112, G>C on the plus strand (C>G on the coding strand, the complement: TERT is on the minus strand). VCF-style: chr5-1294112-G-C. GRCh37 (hg19) VCF-style: chr5-1294227-G-C.
Other names: c.774C>G, p.His258Gln (NM_001193376.3, NM_003219.1); short protein forms H258Q.
Identifiers: ClinVar variation 1980372 (VCV001980372.4), dbSNP rs1380946920, ClinGen allele CA359056847.